The following is an entry in ClinVar:

ClinVar aggregate classification (germline): Benign (1 of 4 stars; one submission).

Allele frequency attached by ClinVar (database versions not stated): 1000 Genomes Project 30x 0.45643; 1000 Genomes Project 0.46406; TOPMed 0.52091; gnomAD 0.53475 and 0.53880.
gnomAD v4.1: 82,180 of 151,948 alleles (54%); highest among the groups gnomAD compares: Middle Eastern, 76%; 25,707 homozygotes.

Submission:

GeneDx
Classification: Benign. Last evaluated: 2018-06-14. Review status: criteria provided, single submitter. Criteria: GeneDx Variant Classification (06012015). Collection method: clinical testing. Allele origin: germline. Affected: yes.
Comment: This variant is considered likely benign or benign based on one or more of the following criteria: it is a conservative change, it occurs at a poorly conserved position in the protein, it is predicted to be benign by multiple in silico algorithms, and/or has population frequency not consistent with disease.

NM_001042492.3(NF1):c.1722-321G>A

Gene: NF1 (neurofibromin 1; plus strand). Cytogenetic location: 17q11.2.
Variant type: single nucleotide variant.
Coding change: c.1722-321G>A on transcript NM_001042492.3 (MANE Select); 321 bases into the intron before coding-DNA position 1722, G replaced by A.
Molecular consequence: intron variant.
Genome position (GRCh38, 1-based): chr17:31,223,123, G>A. VCF-style: chr17-31223123-G-A. GRCh37 (hg19) VCF-style: chr17-29550141-G-A.
Other names: c.1722-321G>A (NM_000267.4).
Identifiers: ClinVar variation 561760 (VCV000561760.1), dbSNP rs2905883, ClinGen allele CA15897722.